The following is an entry in ClinVar:

ClinVar aggregate classification (germline): Pathogenic (1 of 4 stars; one submission).

Submission:

Labcorp Genetics (formerly Invitae), Labcorp
Classification: Pathogenic. Last evaluated: 2022-04-26. Review status: criteria provided, single submitter. Criteria: Invitae Variant Classification Sherloc (09022015). Collection method: clinical testing. Allele origin: germline.
Comment: This sequence change creates a premature translational stop signal (p.Gln304*) in the FLNB gene. It is expected to result in an absent or disrupted protein product. Loss-of-function variants in FLNB are known to be pathogenic (PMID: 14991055). This variant is not present in population databases (gnomAD no frequency). This variant has not been reported in the literature in individuals affected with FLNB-related conditions. For these reasons, this variant has been classified as Pathogenic.

Literature cited by the submitters: PubMed 14991055.

NM_001457.4(FLNB):c.910C>T (p.Gln304Ter)

Gene: FLNB (filamin B; plus strand). Cytogenetic location: 3p14.3.
Variant type: single nucleotide variant.
Coding change: c.910C>T on transcript NM_001457.4 (MANE Select); coding-DNA position 910, C replaced by T.
Protein change: p.Gln304Ter; replaces glutamine 304 with a stop codon.
Molecular consequence: nonsense.
Genome position (GRCh38, 1-based): chr3:58,096,144, C>T. VCF-style: chr3-58096144-C-T. GRCh37 (hg19) VCF-style: chr3-58081871-C-T.
Other names: c.910C>T, p.Gln304Ter (NM_001164317.2, NM_001164318.2, NM_001164319.2); short protein forms Q304*.
Identifiers: ClinVar variation 2130925 (VCV002130925.4), dbSNP rs2097238148, ClinGen allele CA353335129.